The following is an entry in ClinVar:

NM_014874.4(MFN2):c.399C>G (p.Phe133Leu)

Gene: MFN2 (mitofusin 2; plus strand). Cytogenetic location: 1p36.22.
Variant type: single nucleotide variant.
Coding change: c.399C>G on transcript NM_014874.4 (MANE Select); coding-DNA position 399, C replaced by G.
Protein change: p.Phe133Leu; replaces phenylalanine 133 with leucine.
Molecular consequence: missense variant.
Genome position (GRCh38, 1-based): chr1:11,996,243, C>G. VCF-style: chr1-11996243-C-G. GRCh37 (hg19) VCF-style: chr1-12056300-C-G.
Other names: c.399C>G, p.Phe133Leu (NM_001127660.2); short protein forms F133L.
Identifiers: ClinVar variation 3633435 (VCV003633435.2).

ClinVar aggregate classification (germline): Uncertain significance (1 of 4 stars; one submission).

Conditions:
Charcot-Marie-Tooth disease type 2. Also called: Charcot-Marie-Tooth type 2. Identifiers: Orphanet 64746, MedGen C0270914, MONDO:0018993.

Submission:

Labcorp Genetics (formerly Invitae), Labcorp
Classification: Uncertain significance for Charcot-Marie-Tooth disease type 2. Last evaluated: 2024-04-04. Review status: criteria provided, single submitter. Criteria: Invitae Variant Classification Sherloc (09022015). Collection method: clinical testing. Allele origin: germline.
Comment: This sequence change replaces phenylalanine, which is neutral and non-polar, with leucine, which is neutral and non-polar, at codon 133 of the MFN2 protein (p.Phe133Leu). This variant is not present in population databases (gnomAD no frequency). This variant has not been reported in the literature in individuals affected with MFN2-related conditions. Advanced modeling of protein sequence and biophysical properties (such as structural, functional, and spatial information, amino acid conservation, physicochemical variation, residue mobility, and thermodynamic stability) performed at Invitae indicates that this missense variant is expected to disrupt MFN2 protein function with a positive predictive value of 95%. In summary, the available evidence is currently insufficient to determine the role of this variant in disease. Therefore, it has been classified as a Variant of Uncertain Significance.